The following is an entry in ClinVar:

NM_017780.4(CHD7):c.5643A>C (p.Glu1881Asp)

Gene: CHD7 (chromodomain helicase DNA binding protein 7; plus strand). Cytogenetic location: 8q12.2.
Variant type: single nucleotide variant.
Coding change: c.5643A>C on transcript NM_017780.4 (MANE Select); coding-DNA position 5643, A replaced by C.
Protein change: p.Glu1881Asp; replaces glutamic acid 1881 with aspartic acid.
Molecular consequence: missense variant. On other transcripts: intron variant (1).
Genome position (GRCh38, 1-based): chr8:60,851,297, A>C. VCF-style: chr8-60851297-A-C. GRCh37 (hg19) VCF-style: chr8-61763856-A-C.
Other names: c.1717-10932A>C (NM_001316690.1); short protein forms E1881D.
Identifiers: ClinVar variation 3393818 (VCV003393818.1).

ClinVar aggregate classification (germline): Uncertain significance (1 of 4 stars; one submission).

Submission:

GeneDx
Classification: Uncertain significance. Last evaluated: 2024-07-03. Review status: criteria provided, single submitter. Criteria: GeneDx Variant Classification Process June 2021. Collection method: clinical testing. Allele origin: germline. Affected: yes.
Comment: Not observed at significant frequency in large population cohorts (gnomAD); In silico analysis indicates that this missense variant does not alter protein structure/function; Has not been previously published as pathogenic or benign to our knowledge